The following is an entry in ClinVar:

NC_000023.10:g.(?_32360197)_(33229429_?)del

Gene: DMD (dystrophin; minus strand). Cytogenetic location: Xp21.1.
Variant type: Deletion.
Identifiers: ClinVar variation 1460026 (VCV001460026.5).

ClinVar aggregate classification (germline): Pathogenic (1 of 4 stars; one submission).

Conditions:
Duchenne muscular dystrophy (DMD). Also called: Duchenne Muscular Dystrophy (DMD); MUSCULAR DYSTROPHY, PSEUDOHYPERTROPHIC PROGRESSIVE, DUCHENNE TYPE. Identifiers: Orphanet 98896, MedGen C0013264, MONDO:0010679, OMIM 310200.

Submission:

Labcorp Genetics (formerly Invitae), Labcorp
Classification: Pathogenic for Duchenne muscular dystrophy. Last evaluated: 2023-11-20. Review status: criteria provided, single submitter. Criteria: Invitae Variant Classification Sherloc (09022015). Collection method: clinical testing. Allele origin: germline.
Comment: This variant is a gross deletion of the genomic region encompassing exon(s) 1-41 of the DMD gene, which includes the initiator codon. This deletion extends beyond the assayed region for this gene and therefore may encompass additional genes. It is expected to result in an absent or disrupted protein product. Loss-of-function variants in DMD are known to be pathogenic (PMID: 16770791, 25007885). This variant has not been reported in the literature in individuals affected with DMD-related conditions. For these reasons, this variant has been classified as Pathogenic.

Literature cited by the submitters: PubMed 16770791; PubMed 25007885.